The following is an entry in ClinVar:

ClinVar aggregate classification (germline): Benign. Review status: reviewed by expert panel (3 of 4 stars). 2 submissions from 2 submitters: Benign (1). 1 of the submissions does not count toward it. Last evaluated 2015-01-12.

Conditions:
Breast-ovarian cancer, familial, susceptibility to, 1 (BROVCA1). Also called: BRCA1 Hereditary Breast and Ovarian Cancer; OVARIAN CANCER, SUSCEPTIBILITY TO. Identifiers: Orphanet 145, MedGen C2676676, MONDO:0011450, OMIM 604370. Disease mechanism: loss of function.

Allele frequency attached by ClinVar (database versions not stated): TOPMed 0.30264; gnomAD 0.30915 and 0.31665; 1000 Genomes Project 30x 0.34806; 1000 Genomes Project 0.35363.
gnomAD v4.1: 48,178 of 152,102 alleles (32%); highest among the groups gnomAD compares: South Asian, 49%; 7,976 homozygotes.

Submissions (2):

Evidence-based Network for the Interpretation of Germline Mutant Alleles (ENIGMA)
Classification: Benign for Breast-ovarian cancer, familial 1. Last evaluated: 2015-01-12. Review status: reviewed by expert panel. Criteria: ENIGMA BRCA1/2 Classification Criteria (2015). Collection method: curation. Allele origin: germline.
Comment: Class 1 not pathogenic based on frequency >1% in an outbred sampleset. Frequency 0.3269 (Asian), 0.2114 (African), 0.3575 (European), derived from 1000 genomes (2012-04-30).

GeneDx
Classification: Benign. Last evaluated: 2018-06-24. Review status: criteria provided, single submitter. Criteria: GeneDx Variant Classification Process June 2021. Collection method: clinical testing. Allele origin: germline. Affected: yes. Not counted in ClinVar's aggregate classification.

NM_007294.4(BRCA1):c.80+389T>C

Gene: BRCA1 (BRCA1 DNA repair associated; minus strand). Cytogenetic location: 17q21.31.
Variant type: single nucleotide variant.
Coding change: c.80+389T>C on transcript NM_007294.4 (MANE Select); 389 bases into the intron after coding-DNA position 80, T replaced by C.
Molecular consequence: intron variant.
Genome position (GRCh38, 1-based): chr17:43,123,628, A>G on the plus strand (T>C on the coding strand, the complement: BRCA1 is on the minus strand). VCF-style: chr17-43123628-A-G. GRCh37 (hg19) VCF-style: chr17-41275645-A-G.
Other names: IVS 2+389T>C; c.-224+1649T>C (NM_001407962.1, NM_001408512.1, NM_001408510.1); c.-109+1649T>C (NM_001407885.1); c.-62+1649T>C (NM_001408470.1, NM_001407848.1, NM_001407839.1 and 6 more transcripts); c.-178+1649T>C (NM_001407746.1); c.-8+389T>C (NM_001408461.1, NM_001407738.1, NM_001407932.1 and 23 more transcripts); c.-109+389T>C (NM_001407886.1, NM_001408509.1, NM_001408508.1 and 46 more transcripts); c.80+389T>C (NM_001407686.1, NM_001408397.1, NM_001407632.1 and 192 more transcripts); and 24 more.
Identifiers: ClinVar variation 209571 (VCV000209571.3), dbSNP rs8176082, ClinGen allele CA276540.